The following is an entry in ClinVar:

ClinVar aggregate classification (germline): Uncertain significance (1 of 4 stars; one submission).

Submission:

GeneDx
Classification: Uncertain significance. Last evaluated: 2025-04-14. Review status: criteria provided, single submitter. Criteria: GeneDx Variant Classification Process June 2021. Collection method: clinical testing. Allele origin: germline. Affected: yes.
Comment: Not observed at significant frequency in large population cohorts (gnomAD); In silico analysis indicates that this missense variant does not alter protein structure/function; Has not been previously published as pathogenic or benign to our knowledge

NM_177924.5(ASAH1):c.300A>T (p.Lys100Asn)

Gene: ASAH1 (N-acylsphingosine amidohydrolase 1; minus strand). Cytogenetic location: 8p22.
Variant type: single nucleotide variant.
Coding change: c.300A>T on transcript NM_177924.5 (MANE Select); coding-DNA position 300, A replaced by T.
Protein change: p.Lys100Asn; replaces lysine 100 with asparagine.
Molecular consequence: missense variant. On other transcripts: non-coding transcript variant (1), intron variant (1).
Genome position (GRCh38, 1-based): chr8:18,069,795, T>A on the plus strand (A>T on the coding strand, the complement: ASAH1 is on the minus strand). VCF-style: chr8-18069795-T-A. GRCh37 (hg19) VCF-style: chr8-17927304-T-A.
Other names: c.105A>T, p.Lys35Asn (NM_001363743.2); c.348A>T, p.Lys116Asn (NM_004315.6); c.285+1505A>T (NM_001127505.3); short protein forms K100N, K116N, K35N.
Identifiers: ClinVar variation 4282068 (VCV004282068.1).